The following is an entry in ClinVar:

NM_003235.5(TG):c.7833C>G (p.Tyr2611Ter)

Gene: TG (thyroglobulin; plus strand). Cytogenetic location: 8q24.22.
Variant type: single nucleotide variant.
Coding change: c.7833C>G on transcript NM_003235.5 (MANE Select); coding-DNA position 7833, C replaced by G.
Protein change: p.Tyr2611Ter; replaces tyrosine 2611 with a stop codon.
Molecular consequence: nonsense.
Genome position (GRCh38, 1-based): chr8:133,116,687, C>G. VCF-style: chr8-133116687-C-G. GRCh37 (hg19) VCF-style: chr8-134128931-C-G.
Other names: short protein forms Y2611*.
Identifiers: ClinVar variation 2805798 (VCV002805798.3), dbSNP rs1373380416, ClinGen allele CA372250794.

ClinVar aggregate classification (germline): Pathogenic (1 of 4 stars; one submission).

Allele frequency attached by ClinVar (database versions not stated): TOPMed 0.00001.

Submission:

Labcorp Genetics (formerly Invitae), Labcorp
Classification: Pathogenic. Last evaluated: 2023-03-07. Review status: criteria provided, single submitter. Criteria: Invitae Variant Classification Sherloc (09022015). Collection method: clinical testing. Allele origin: germline.
Comment: This sequence change creates a premature translational stop signal (p.Tyr2611*) in the TG gene. It is expected to result in an absent or disrupted protein product. Loss-of-function variants in TG are known to be pathogenic (PMID: 19837936, 23164529). This variant is not present in population databases (gnomAD no frequency). This variant has not been reported in the literature in individuals affected with TG-related conditions. For these reasons, this variant has been classified as Pathogenic.

Literature cited by the submitters: PubMed 19837936; PubMed 23164529.